The following is an entry in ClinVar:

ClinVar aggregate classification (germline): Pathogenic (1 of 4 stars; one submission).

Submission:

GeneDx
Classification: Pathogenic. Last evaluated: 2023-08-28. Review status: criteria provided, single submitter. Criteria: GeneDx Variant Classification Process June 2021. Collection method: clinical testing. Allele origin: germline. Affected: yes.
Comment: Nonsense variant predicted to result in protein truncation or nonsense mediated decay in a gene for which loss of function is a known mechanism of disease; Not observed at significant frequency in large population cohorts (gnomAD); Has not been previously published as pathogenic or benign to our knowledge

NM_001374828.1(ARID1B):c.4627C>T (p.Gln1543Ter)

Gene: ARID1B (AT-rich interaction domain 1B; plus strand). Cytogenetic location: 6q25.3.
Variant type: single nucleotide variant.
Coding change: c.4627C>T on transcript NM_001374828.1 (MANE Select); coding-DNA position 4627, C replaced by T.
Protein change: p.Gln1543Ter; replaces glutamine 1543 with a stop codon.
Molecular consequence: nonsense.
Genome position (GRCh38, 1-based): chr6:157,200,852, C>T. VCF-style: chr6-157200852-C-T. GRCh37 (hg19) VCF-style: chr6-157521986-C-T.
Other names: c.4378C>T, p.Gln1460Ter (NM_001346813.1); c.2128C>T, p.Gln710Ter (NM_001363725.2); c.4507C>T, p.Gln1503Ter (NM_001371656.1, NM_001374820.1); c.4468C>T, p.Gln1490Ter (NM_017519.3); c.4258C>T, p.Gln1420Ter (NM_020732.3); c.4045C>T, p.Gln1349Ter (NM_175863.2); short protein forms Q1349*, Q1420*, Q1460*, Q1490*, Q1503*, Q1543*, Q710*.
Identifiers: ClinVar variation 2577599 (VCV002577599.1), dbSNP rs1554235614, ClinGen allele CA366241075.
Genomic context (GRCh38, chr6:157,200,852, plus strand): 5'-CAGCAGGAGATGTACAACCAGTATGGAGGCTCCTACTCGGGCCCGGACCGCAGGCCCATC[C>T]AGGGCCAGTACCCGTATCCCTACAGCAGGGAGAGGATGCAGGGCCCGGGGCAGATCCAGA-3'